The following is an entry in ClinVar:

ClinVar aggregate classification (germline): Pathogenic (1 of 4 stars; one submission).

Submission:

Labcorp Genetics (formerly Invitae), Labcorp
Classification: Pathogenic. Last evaluated: 2024-02-23. Review status: criteria provided, single submitter. Criteria: Invitae Variant Classification Sherloc (09022015). Collection method: clinical testing. Allele origin: germline.
Comment: This sequence change creates a premature translational stop signal (p.Phe225Serfs*6) in the UPB1 gene. It is expected to result in an absent or disrupted protein product. Loss-of-function variants in UPB1 are known to be pathogenic (PMID: 15385443, 22525402). This variant is not present in population databases (gnomAD no frequency). This variant has not been reported in the literature in individuals affected with UPB1-related conditions. ClinVar contains an entry for this variant (Variation ID: 1405005). For these reasons, this variant has been classified as Pathogenic.

Literature cited by the submitters: PubMed 15385443; PubMed 22525402.

NM_016327.3(UPB1):c.674del (p.Phe225fs)

Gene: UPB1 (beta-ureidopropionase 1; plus strand). Cytogenetic location: 22q11.23.
Variant type: Deletion.
Coding change: c.674del on transcript NM_016327.3 (MANE Select); coding-DNA position 674, one base deleted (T; older notation c.674delT).
Protein change: p.Phe225fs; shifts the reading frame from phenylalanine 225.
Molecular consequence: frameshift variant.
Genome position (GRCh38, 1-based): chr22:24,515,253, T deleted; the last of 2 consecutive T bases (chr22:24,515,252-24,515,253); deleting either gives the same sequence. VCF-style (leftmost placement, unchanged base first): chr22-24515251-GT-G. GRCh37 (hg19) VCF-style: chr22-24911219-GT-G.
Other names: short protein forms F225fs.
Identifiers: ClinVar variation 1405005 (VCV001405005.6), dbSNP rs2147029623, ClinGen allele CA2573157851.